The following is an entry in ClinVar:

ClinVar aggregate classification (germline): Benign/Likely benign. Review status: criteria provided, multiple submitters, no conflicts (2 of 4 stars). 3 submissions from 2 submitters: Benign (2); Likely benign (1). Last evaluated 2021-05-24.

Conditions:
Jervell and Lange-Nielsen syndrome 2 (JLNS2). Identifiers: Orphanet 768, Orphanet 90647, MedGen C2676723, MONDO:0012871, OMIM 612347.
Long QT syndrome 5 (LQT5). Identifiers: Orphanet 101016, Orphanet 768, MedGen C1867904, MONDO:0013372, OMIM 613695.

Allele frequency attached by ClinVar (database versions not stated): 1000 Genomes Project 0.00559; TOPMed 0.00674.

Submissions (3):

GeneDx
Classification: Likely benign. Last evaluated: 2021-05-24. Review status: criteria provided, single submitter. Criteria: GeneDx Variant Classification Process June 2021. Collection method: clinical testing. Allele origin: germline. Affected: yes.

Illumina Laboratory Services, Illumina
Classification: Benign for Long QT syndrome 5. Last evaluated: 2018-01-13. Review status: criteria provided, single submitter. Criteria: ICSL Variant Classification Criteria 13 December 2019. Collection method: clinical testing. Allele origin: germline.
Comment: This variant was observed in the ICSL laboratory as part of a predisposition screen in an ostensibly healthy population. It had not been previously curated by ICSL or reported in the Human Gene Mutation Database (HGMD: prior to June 1st, 2018), and was therefore a candidate for classification through an automated scoring system. Utilizing variant allele frequency, disease prevalence and penetrance estimates, and inheritance mode, an automated score was calculated to assess if this variant is too frequent to cause the disease. Based on the score and internal cut-off values, a variant classified as benign is not then subjected to further curation. The score for this variant resulted in a classification of benign for this disease.

Illumina Laboratory Services, Illumina
Classification: Benign for Jervell and Lange-Nielsen syndrome 2. Last evaluated: 2018-01-13. Review status: criteria provided, single submitter. Criteria: ICSL Variant Classification Criteria 13 December 2019. Collection method: clinical testing. Allele origin: germline.
Comment: the same text as in the submission from Illumina Laboratory Services, Illumina above.

NM_000219.6(KCNE1):c.*1815A>G

Gene: KCNE1 (potassium voltage-gated channel subfamily E regulatory subunit 1; minus strand). Cytogenetic location: 21q22.12.
Variant type: single nucleotide variant.
Coding change: c.*1815A>G on transcript NM_000219.6 (MANE Select); 1815 bases downstream of the stop codon, A replaced by G.
Molecular consequence: 3 prime UTR variant.
Genome position (GRCh38, 1-based): chr21:34,447,430, T>C on the plus strand (A>G on the coding strand, the complement: KCNE1 is on the minus strand). VCF-style: chr21-34447430-T-C. GRCh37 (hg19) VCF-style: chr21-35819728-T-C.
Other names: c.*1815A>G (NM_001127668.4, NM_001127669.4, NM_001127670.4 and 4 more transcripts).
Identifiers: ClinVar variation 339740 (VCV000339740.7), dbSNP rs57555550, ClinGen allele CA10653515.
Genomic context (GRCh38, chr21:34,447,430, plus strand): 5'-GTAACCCAAAGAACCACTCATCTCAAGGACTGTGGTAACTCAGGGGCTGAGCCATGCCAG[T>C]GTTTATTATGTGAAACAAGGACTGGAACCTCACAAGACCAAGTCTGTCCATTTGAGGATG-3'